The following is an entry in ClinVar:

NM_000045.4(ARG1):c.325_331delinsAGG (p.Ser109fs)

Genes: ARG1 (arginase 1; plus strand), MED23 (mediator complex subunit 23; minus strand). Cytogenetic location: 6q23.2.
Variant type: Indel.
Coding change: c.325_331delinsAGG on transcript NM_000045.4 (MANE Select); coding-DNA positions 325 to 331, TCTGGCC replaced by AGG.
Protein change: p.Ser109fs; shifts the reading frame from serine 109.
Molecular consequence: frameshift variant. On other transcripts: non-coding transcript variant (1), intron variant (3).
Genome position (GRCh38, 1-based): chr6:131,581,238-131,581,244, TCTGGCC replaced by AGG. VCF-style: chr6-131581238-TCTGGCC-AGG. GRCh37 (hg19) VCF-style: chr6-131902378-TCTGGCC-AGG.
Other names: c.349_355delinsAGG, p.Ser117fs (NM_001244438.2); c.306-1822_306-1816delinsAGG (NM_001369020.1); c.4077+6465_4077+6471delinsCCT (NM_001270521.2); c.4095+6465_4095+6471delinsCCT (NM_015979.4); short protein forms S109fs, S117fs.
Identifiers: ClinVar variation 5015789 (VCV005015789.1).

ClinVar aggregate classification (germline): Pathogenic (1 of 4 stars; one submission).

Conditions:
Arginase deficiency. Also called: ARGININEMIA; ARG1 DEFICIENCY; Arginase 1 Deficiency. Identifiers: Orphanet 90, MedGen C0268548, MONDO:0008814, OMIM 207800.

Submission:

Myriad Genetics, Inc.
Classification: Pathogenic for Arginase deficiency. Last evaluated: 2026-04-11. Review status: criteria provided, single submitter. Criteria: Myriad Autosomal Dominant, Autosomal Recessive and X-Linked Classification Criteria (2023). Collection method: clinical testing. Allele origin: unknown.
Comment: NM_000045.3(ARG1):c.325_331del7ins3(S109Rfs*24) is expected to be pathogenic in the context of argininemia. This variant is predicted to lead to an abnormal or absent protein product due to the creation of a premature termination codon in ARG1, a gene where loss-of-function variants are known to be pathogenic. Please note: this variant was assessed in the context of healthy population screening.